The following is an entry in ClinVar:

NM_000937.5(POLR2A):c.407A>T (p.Gln136Leu)

Gene: POLR2A (RNA polymerase II subunit A; plus strand). Cytogenetic location: 17p13.1.
Variant type: single nucleotide variant.
Coding change: c.407A>T on transcript NM_000937.5 (MANE Select); coding-DNA position 407, A replaced by T.
Protein change: p.Gln136Leu; replaces glutamine 136 with leucine.
Molecular consequence: missense variant.
Genome position (GRCh38, 1-based): chr17:7,496,483, A>T. VCF-style: chr17-7496483-A-T. GRCh37 (hg19) VCF-style: chr17-7399802-A-T.
Other names: short protein forms Q136L.
Identifiers: ClinVar variation 3360756 (VCV003360756.1).

ClinVar aggregate classification (germline): Uncertain significance (1 of 4 stars; one submission).

Submission:

GeneDx
Classification: Uncertain significance. Last evaluated: 2023-07-05. Review status: criteria provided, single submitter. Criteria: GeneDx Variant Classification Process June 2021. Collection method: clinical testing. Allele origin: germline. Affected: yes.
Comment: Not observed at significant frequency in large population cohorts (gnomAD); In silico analysis supports that this missense variant has a deleterious effect on protein structure/function; Has not been previously published as pathogenic or benign to our knowledge